The following is an entry in ClinVar:

NM_014476.6(PDLIM3):c.331-411C>A

Genes: PDLIM3 (PDZ and LIM domain 3; minus strand), LOC126807246 (BRD4-independent group 4 enhancer GRCh37_chr4:186434842-186436041; plus strand). Cytogenetic location: 4q35.1.
Variant type: single nucleotide variant.
Coding change: c.331-411C>A on transcript NM_014476.6 (MANE Select); 411 bases into the intron before coding-DNA position 331, C replaced by A.
Molecular consequence: intron variant. On other transcripts: missense variant (1).
Genome position (GRCh38, 1-based): chr4:185,514,748, G>T on the plus strand (C>A on the coding strand, the complement: PDLIM3 is on the minus strand). VCF-style: chr4-185514748-G-T. GRCh37 (hg19) VCF-style: chr4-186435902-G-T.
Other names: c.473C>A, p.Ala158Glu (NM_001114107.5); c.94-411C>A (NM_001257963.2); c.331-411C>A (NM_001257962.2); short protein forms A158E.
Identifiers: ClinVar variation 2630799 (VCV002630799.1), dbSNP rs1235779274, ClinGen allele CA358925292.
Genomic context (GRCh38, chr4:185,514,748, plus strand): 5'-GAGCCGGATACTTACTTTTGAGGTGAGCTAGGAATGAGACCCCGCAGCTGTCCGTGAAGC[G>T]CATCTTGTATATTGCTAGTTGAATAGAGCCCAATTGGCGAGTTATAGGAAGCGCTCACTA-3'

ClinVar aggregate classification (germline): Uncertain significance (1 of 4 stars; one submission).

Conditions:
PDLIM3-related disorder. Also called: PDLIM3-related condition.

gnomAD v4.1: 1 of 1,552,106 alleles (0.000064%); no homozygotes.

Submission:

PreventionGenetics, part of Exact Sciences
Classification: Uncertain significance for PDLIM3-related condition. Last evaluated: 2023-09-23. Review status: criteria provided, single submitter. Criteria: ACMG Guidelines, 2015. Collection method: clinical testing. Allele origin: germline.
Comment: The PDLIM3 c.473C>A variant is predicted to result in the amino acid substitution p.Ala158Glu. This variant is referred to as c.331-411C>A (intronic) with an alternate transcript NM_014476. To our knowledge, this variant has not been reported in the literature or in a large population database, indicating this variant is rare. At this time, the clinical significance of this variant is uncertain due to the absence of conclusive functional and genetic evidence.